The following is an entry in ClinVar:

ClinVar aggregate classification (germline): Uncertain significance. Review status: criteria provided, single submitter (1 of 4 stars). 2 submissions from 2 submitters: Uncertain significance (1). 1 of the submissions does not count toward it. Last evaluated 2025-12-02.

Conditions:
BBIP1-related disorder. Also called: BBIP1-related condition.

gnomAD v4.1: 12 of 1,535,522 alleles (0.00078%); highest among the groups gnomAD compares: African/African-American, 0.011%; no homozygotes.

Submissions (2):

Labcorp Genetics (formerly Invitae), Labcorp
Classification: Uncertain significance. Last evaluated: 2025-12-02. Review status: criteria provided, single submitter. Criteria: Invitae Variant Classification Sherloc (09022015). Collection method: clinical testing. Allele origin: germline.
Comment: This sequence change replaces methionine, which is neutral and non-polar, with threonine, which is neutral and polar, at codon 23 of the BBIP1 protein (p.Met23Thr). This variant is present in population databases (no rsID available, gnomAD 0.02%). This variant has not been reported in the literature in individuals affected with BBIP1-related conditions. ClinVar contains an entry for this variant (Variation ID: 3357115). An algorithm developed to predict the effect of missense changes on protein structure and function (PolyPhen-2) suggests that this variant is likely to be tolerated. In summary, the available evidence is currently insufficient to determine the role of this variant in disease. Therefore, it has been classified as a Variant of Uncertain Significance.

PreventionGenetics, part of Exact Sciences
Classification: Uncertain significance for BBIP1-related condition. Last evaluated: 2024-03-26. Review status: no assertion criteria provided. Collection method: clinical testing. Allele origin: germline. Not counted in ClinVar's aggregate classification.
Comment: The BBIP1 c.2T>C variant is predicted to disrupt the translation initiation site (Start loss). In the more commonly reported transcript NM_001195306.1, this variant is described as c.68T>C, which is predicted to result in the amino acid substitution p.Met23Thr. To our knowledge, this variant has not been reported in the literature. This variant is reported in 0.023% of alleles in individuals of African descent in gnomAD. At this time, the clinical significance of this variant is uncertain due to the absence of conclusive functional and genetic evidence.

NM_001195305.3(BBIP1):c.68T>C (p.Met23Thr)

Gene: BBIP1 (BBSome interacting protein 1; minus strand). Cytogenetic location: 10q25.2.
Variant type: single nucleotide variant.
Coding change: c.68T>C on transcript NM_001195305.3 (MANE Select); coding-DNA position 68, T replaced by C.
Protein change: p.Met23Thr; replaces methionine 23 with threonine.
Molecular consequence: missense variant. On other transcripts: synonymous variant (1), initiator codon variant (1), intron variant (1).
Genome position (GRCh38, 1-based): chr10:110,901,582, A>G on the plus strand (T>C on the coding strand, the complement: BBIP1 is on the minus strand). VCF-style: chr10-110901582-A-G. GRCh37 (hg19) VCF-style: chr10-112661340-A-G.
Other names: c.225T>C, p.Tyr75= (NM_001195304.2); c.68T>C, p.Met23Thr (NM_001195306.2); c.2T>C, p.Met1Thr (NM_001243783.3); c.38-1056T>C (NM_001195307.2); short protein forms M1T, M23T.
Identifiers: ClinVar variation 3357115 (VCV003357115.3).